The following is an entry in ClinVar:

NM_001371986.1(UNC80):c.2775+1G>T

Gene: UNC80 (unc-80 subunit of NALCN channel complex; plus strand). Cytogenetic location: 2q34.
Variant type: single nucleotide variant.
Coding change: c.2775+1G>T on transcript NM_001371986.1 (MANE Select); the canonical splice donor site of the intron after coding-DNA position 2775, G replaced by T.
Molecular consequence: splice donor variant.
Genome position (GRCh38, 1-based): chr2:209,831,592, G>T. VCF-style: chr2-209831592-G-T. GRCh37 (hg19) VCF-style: chr2-210696316-G-T.
Other names: c.2775+1G>T (NM_032504.2); c.2760+1G>T (NM_182587.4).
Identifiers: ClinVar variation 3656825 (VCV003656825.2).

ClinVar aggregate classification (germline): Likely pathogenic (1 of 4 stars; one submission).

Submission:

Labcorp Genetics (formerly Invitae), Labcorp
Classification: Likely pathogenic. Last evaluated: 2024-07-17. Review status: criteria provided, single submitter. Criteria: Invitae Variant Classification Sherloc (09022015). Collection method: clinical testing. Allele origin: germline.
Comment: This sequence change affects a donor splice site in intron 16 of the UNC80 gene. It is expected to disrupt RNA splicing. Variants that disrupt the donor or acceptor splice site typically lead to a loss of protein function (PMID: 16199547), and loss-of-function variants in UNC80 are known to be pathogenic (PMID: 26545877, 26708751, 26708753). This variant is not present in population databases (gnomAD no frequency). This variant has not been reported in the literature in individuals affected with UNC80-related conditions. Algorithms developed to predict the effect of sequence changes on RNA splicing suggest that this variant may disrupt the consensus splice site. In summary, the currently available evidence indicates that the variant is pathogenic, but additional data are needed to prove that conclusively. Therefore, this variant has been classified as Likely Pathogenic.

Literature cited by the submitters: PubMed 16199547; PubMed 26545877; PubMed 26708751; PubMed 26708753.